The following is an entry in ClinVar:

NM_033004.4(NLRP1):c.3598G>A (p.Val1200Met)

Gene: NLRP1 (NLR family pyrin domain containing 1; minus strand). Cytogenetic location: 17p13.2.
Variant type: single nucleotide variant.
Coding change: c.3598G>A on transcript NM_033004.4 (MANE Select); coding-DNA position 3598, G replaced by A.
Protein change: p.Val1200Met; replaces valine 1200 with methionine.
Molecular consequence: missense variant.
Genome position (GRCh38, 1-based): chr17:5,521,709, C>T on the plus strand (G>A on the coding strand, the complement: NLRP1 is on the minus strand). VCF-style: chr17-5521709-C-T. GRCh37 (hg19) VCF-style: chr17-5425029-C-T.
Other names: c.3610G>A, p.Val1204Met (NM_001033053.3); c.3598G>A, p.Val1200Met (NM_014922.5); c.3508G>A, p.Val1170Met (NM_033006.4, NM_033007.4); short protein forms V1204M, V1200M, V1170M.
Identifiers: ClinVar variation 1493019 (VCV001493019.8), dbSNP rs1225106726, ClinGen allele CA397389339.

ClinVar aggregate classification (germline): Uncertain significance (1 of 4 stars; one submission).

Allele frequency attached by ClinVar (database versions not stated): gnomAD exomes below 0.00001; gnomAD 0.00001.
gnomAD v4.1: 3 of 1,613,318 alleles (0.00019%); highest among the groups gnomAD compares: African/African-American, 0.0013%; no homozygotes.

Submission:

Labcorp Genetics (formerly Invitae), Labcorp
Classification: Uncertain significance. Last evaluated: 2022-08-16. Review status: criteria provided, single submitter. Criteria: Invitae Variant Classification Sherloc (09022015). Collection method: clinical testing. Allele origin: germline.
Comment: This variant has not been reported in the literature in individuals affected with NLRP1-related conditions. ClinVar contains an entry for this variant (Variation ID: 1493019). Algorithms developed to predict the effect of missense changes on protein structure and function output the following: SIFT: "Deleterious"; PolyPhen-2: "Probably Damaging"; Align-GVGD: "Class C0". The methionine amino acid residue is found in multiple mammalian species, which suggests that this missense change does not adversely affect protein function. This sequence change replaces valine, which is neutral and non-polar, with methionine, which is neutral and non-polar, at codon 1200 of the NLRP1 protein (p.Val1200Met). This variant is present in population databases (no rsID available, gnomAD 0.01%). In summary, the available evidence is currently insufficient to determine the role of this variant in disease. Therefore, it has been classified as a Variant of Uncertain Significance.